The following is an entry in ClinVar:

ClinVar aggregate classification (germline): Uncertain significance (1 of 4 stars; one submission).

Conditions:
PEX5-related disorder. Also called: PEX5-Related Disorders; PEX5-related condition.

Submission:

PreventionGenetics, part of Exact Sciences
Classification: Uncertain significance for PEX5-related condition. Last evaluated: 2024-12-27. Review status: criteria provided, single submitter. Criteria: ACMG Guidelines, 2015. Collection method: clinical testing. Allele origin: germline.
Comment: The PEX5 c.1510T>C variant is predicted to result in the amino acid substitution p.Tyr504His. To our knowledge, this variant has not been reported in the literature or in a large population database (gnomAD), indicating this variant is rare. At this time, the clinical significance of this variant is uncertain due to the absence of conclusive functional and genetic evidence.

NM_001351132.2(PEX5):c.1510T>C (p.Tyr504His)

Gene: PEX5 (peroxisomal biogenesis factor 5; plus strand). Cytogenetic location: 12p13.31.
Variant type: single nucleotide variant.
Coding change: c.1510T>C on transcript NM_001351132.2 (MANE Select); coding-DNA position 1510, T replaced by C.
Protein change: p.Tyr504His; replaces tyrosine 504 with histidine.
Molecular consequence: missense variant.
Genome position (GRCh38, 1-based): chr12:7,209,120, T>C. VCF-style: chr12-7209120-T-C. GRCh37 (hg19) VCF-style: chr12-7361716-T-C.
Other names: c.1486T>C, p.Tyr496His (NM_000319.5); c.1555T>C, p.Tyr519His (NM_001131023.2); c.1399T>C, p.Tyr467His (NM_001131024.2, NM_001351124.3, NM_001351126.2 and 7 more transcripts); c.1510T>C, p.Tyr504His (NM_001131025.2, NM_001131026.2, NM_001300789.3 and 4 more transcripts); c.1444T>C, p.Tyr482His (NM_001351135.3, NM_001351138.2); c.1501T>C, p.Tyr501His (NM_001351136.2); c.1375T>C, p.Tyr459His (NM_001351139.2, NM_001351140.2, NM_001374649.2); short protein forms Y459H, Y467H, Y482H, Y496H, Y504H, Y501H, Y519H.
Identifiers: ClinVar variation 4983271 (VCV004983271.1).